The following is an entry in ClinVar:

ClinVar aggregate classification (germline): Uncertain significance (1 of 4 stars; one submission).

Conditions:
Neurodevelopmental disorder with dysmorphic facies and distal skeletal anomalies. Identifiers: MedGen C5231448, MONDO:0032855, OMIM 618659.

Allele frequency attached by ClinVar (database versions not stated): gnomAD exomes below 0.00001; ExAC 0.00001.
gnomAD v4.1: 1 of 1,612,570 alleles (0.000062%); highest among the groups gnomAD compares: Non-Finnish European, 0.000085%; no homozygotes.

Submission:

Institute of Human Genetics, Clinical Exome/Genome Diagnostics Group, University Hospital Bonn
Classification: Uncertain significance for Neurodevelopmental disorder with dysmorphic facies and distal skeletal anomalies. Last evaluated: 2022-03-30. Review status: criteria provided, single submitter. Criteria: ACMG Guidelines, 2015. Collection method: clinical testing. Allele origin: germline.
Comment: PP2

NM_020338.4(ZMIZ1):c.1981C>T (p.Arg661Cys)

Gene: ZMIZ1 (zinc finger MIZ-type containing 1; plus strand). Cytogenetic location: 10q22.3.
Variant type: single nucleotide variant.
Coding change: c.1981C>T on transcript NM_020338.4 (MANE Select); coding-DNA position 1981, C replaced by T.
Protein change: p.Arg661Cys; replaces arginine 661 with cysteine.
Molecular consequence: missense variant.
Genome position (GRCh38, 1-based): chr10:79,300,904, C>T. VCF-style: chr10-79300904-C-T. GRCh37 (hg19) VCF-style: chr10-81060661-C-T.
Other names: short protein forms R661C.
Identifiers: ClinVar variation 1675323 (VCV001675323.1), dbSNP rs745390001, ClinGen allele CA5572858.